The following is an entry in ClinVar:

ClinVar aggregate classification (germline): Uncertain significance. Review status: criteria provided, multiple submitters, no conflicts (2 of 4 stars). 2 submissions from 2 submitters: Uncertain significance (2). Last evaluated 2026-02-03.

Conditions:
FG syndrome (FGS). Identifiers: MedGen C0220769, MONDO:0002010.

Submissions (2):

Dasa
Classification: Uncertain significance. Last evaluated: 2026-02-03. Review status: criteria provided, single submitter. Criteria: DASA Assertion Criteria. Collection method: clinical testing. Allele origin: germline.
Comment: NM_005120.3(MED12):c.2374C>A (p.Gln792Lys) is a missense variant that results in the substitution of glutamine with lysine. This variant is rare in population databases. Computational prediction algorithms are consistent with a benign effect. The currently available literature and clinical evidence are not sufficient to establish a definitive association between this variant and the reported condition. Therefore, this variant is classified as a variant of uncertain significance.

Labcorp Genetics (formerly Invitae), Labcorp
Classification: Uncertain significance for FG syndrome. Last evaluated: 2025-12-01. Review status: criteria provided, single submitter. Criteria: Invitae Variant Classification Sherloc (09022015). Collection method: clinical testing. Allele origin: germline.
Comment: This sequence change replaces glutamine, which is neutral and polar, with lysine, which is basic and polar, at codon 792 of the MED12 protein (p.Gln792Lys). This variant is not present in population databases (gnomAD no frequency). This variant has not been reported in the literature in individuals affected with MED12-related conditions. ClinVar contains an entry for this variant (Variation ID: 3725382). An algorithm developed to predict the effect of missense changes on protein structure and function (PolyPhen-2) suggests that this variant is likely to be tolerated. In summary, the available evidence is currently insufficient to determine the role of this variant in disease. Therefore, it has been classified as a Variant of Uncertain Significance.

NM_005120.3(MED12):c.2374C>A (p.Gln792Lys)

Gene: MED12 (mediator complex subunit 12; plus strand). Cytogenetic location: Xq13.1.
Variant type: single nucleotide variant.
Coding change: c.2374C>A on transcript NM_005120.3 (MANE Select); coding-DNA position 2374, C replaced by A.
Protein change: p.Gln792Lys; replaces glutamine 792 with lysine.
Molecular consequence: missense variant.
Genome position (GRCh38, 1-based): chrX:71,125,665, C>A. VCF-style: chrX-71125665-C-A. GRCh37 (hg19) VCF-style: chrX-70345515-C-A.
Other names: short protein forms Q792K.
Identifiers: ClinVar variation 3725382 (VCV003725382.4).